The following is an entry in ClinVar:

ClinVar aggregate classification (germline): Conflicting classifications of pathogenicity. Review status: criteria provided, conflicting classifications (1 of 4 stars). 3 submissions from 3 submitters: Likely pathogenic (1); Uncertain significance (2). Last evaluated 2023-10-31.

Conditions:
Hypertrophic cardiomyopathy 10. Also called: CARDIOMYOPATHY, HYPERTROPHIC, MID-LEFT VENTRICULAR CHAMBER TYPE, 2; MYL2-Related Familial Hypertrophic Cardiomyopathy. Identifiers: MedGen C1834460, MONDO:0012112, OMIM 608758.
MYL2-related disorder. Also called: MYL2-related condition; MYL2-related disease; MYL2-related disorders.

Submissions (3):

Blueprint Genetics
Classification: Likely pathogenic for MYL2-related disorders. Last evaluated: 2023-10-31. Review status: criteria provided, single submitter. Criteria: ACMG Guidelines, 2015. Collection method: clinical testing. Allele origin: germline. Affected: yes. Observed: 2 variant alleles.

Labcorp Genetics (formerly Invitae), Labcorp
Classification: Uncertain significance for Hypertrophic cardiomyopathy 10. Last evaluated: 2023-08-01. Review status: criteria provided, single submitter. Criteria: Invitae Variant Classification Sherloc (09022015). Collection method: clinical testing. Allele origin: germline.
Comment: In summary, the available evidence is currently insufficient to determine the role of this variant in disease. Therefore, it has been classified as a Variant of Uncertain Significance. An algorithm developed specifically for the MYL2 gene suggests that this missense change is likely to be deleterious (PMID: 21310275). ClinVar contains an entry for this variant (Variation ID: 178974). This variant has not been reported in the literature in individuals affected with MYL2-related conditions. This variant is not present in population databases (gnomAD no frequency). This sequence change replaces arginine, which is basic and polar, with methionine, which is neutral and non-polar, at codon 40 of the MYL2 protein (p.Arg40Met).

Laboratory for Molecular Medicine, Mass General Brigham Personalized Medicine
Classification: Uncertain significance. Last evaluated: 2013-05-17. Review status: criteria provided, single submitter. Criteria: LMM Criteria. Collection method: clinical testing. Allele origin: germline. Observed: 2 variant alleles.

Literature cited by the submitters: PubMed 21310275 (cited by Labcorp Genetics (formerly Invitae), Labcorp).

NM_000432.4(MYL2):c.119G>T (p.Arg40Met)

Gene: MYL2 (myosin light chain 2; minus strand). Cytogenetic location: 12q24.11.
Variant type: single nucleotide variant.
Coding change: c.119G>T on transcript NM_000432.4 (MANE Select); coding-DNA position 119, G replaced by T.
Protein change: p.Arg40Met; replaces arginine 40 with methionine.
Molecular consequence: missense variant.
Genome position (GRCh38, 1-based): chr12:110,915,765, C>A on the plus strand (G>T on the coding strand, the complement: MYL2 is on the minus strand). VCF-style: chr12-110915765-C-A. GRCh37 (hg19) VCF-style: chr12-111353569-C-A.
Other names: short protein forms R40M.
Identifiers: ClinVar variation 178974 (VCV000178974.15), dbSNP rs727503299, ClinGen allele CA009851.
Genomic context (GRCh38, chr12:110,915,765, plus strand): 5'-GGTGACATACCAAGGGCAGCAAAGGTGTCTCTCAGATCGTTCTTGTCAATGAAGCCATCC[C>A]TGTTCTGGTCCATGATAGTGAAGGCCTGTGGAAGGGAAGTGATTGGCAGCTCAGCCTGGG-3'
Protein context (NP_000423.2, residues 30-50): KEAFTIMDQN[Arg40Met]DGFIDKNDLR